The following is an entry in ClinVar:

NM_015107.3(PHF8):c.2578G>A (p.Val860Met)

Gene: PHF8 (PHD finger protein 8; minus strand). Cytogenetic location: Xp11.22.
Variant type: single nucleotide variant.
Coding change: c.2578G>A on transcript NM_015107.3 (MANE Select); coding-DNA position 2578, G replaced by A.
Protein change: p.Val860Met; replaces valine 860 with methionine.
Molecular consequence: missense variant.
Genome position (GRCh38, 1-based): chrX:53,944,205, C>T on the plus strand (G>A on the coding strand, the complement: PHF8 is on the minus strand). VCF-style: chrX-53944205-C-T. GRCh37 (hg19) VCF-style: chrX-53970638-C-T.
Other names: c.2686G>A, p.Val896Met (NM_001184896.1, NM_001441097.1); c.2275G>A, p.Val759Met (NM_001184897.2); c.2527G>A, p.Val843Met (NM_001184898.2); c.2383G>A, p.Val795Met (NM_001441096.1, NM_001441098.1); short protein forms V759M, V795M, V843M, V860M, V896M.
Identifiers: ClinVar variation 4084987 (VCV004084987.8).

ClinVar aggregate classification (germline): Likely benign (1 of 4 stars; one submission).

gnomAD v4.1: 33 of 1,208,855 alleles (0.0027%); highest among the groups gnomAD compares: African/African-American, 0.0052%; no homozygotes.

Submission:

CeGaT Center for Human Genetics Tuebingen
Classification: Likely benign. Last evaluated: 2025-07-01. Review status: criteria provided, single submitter. Criteria: CeGaT Center For Human Genetics Tuebingen Variant Classification Criteria Version 2. Collection method: clinical testing. Allele origin: germline. Affected: yes. Observed: 1 variant allele.
Comment: PHF8: PP2, BS2